The following is an entry in ClinVar:

ClinVar aggregate classification (germline): Conflicting classifications of pathogenicity. Review status: criteria provided, conflicting classifications (1 of 4 stars). 5 submissions from 5 submitters: Uncertain significance (1); Likely benign (3). 1 of the submissions does not count toward it. Last evaluated 2025-10-04.

Conditions:
RAI1-related disorder. Also called: RAI1-related condition.

Submissions (5):

Labcorp Genetics (formerly Invitae), Labcorp
Classification: Likely benign. Last evaluated: 2025-10-04. Review status: criteria provided, single submitter. Criteria: Invitae Variant Classification Sherloc (09022015). Collection method: clinical testing. Allele origin: germline.

Laboratory of Genetics, Children's Clinical University Hospital Latvia
Classification: Likely benign. Last evaluated: 2025-02-16. Review status: criteria provided, single submitter. Criteria: ACMG Guidelines, 2015. Collection method: clinical testing. Allele origin: germline. Affected: yes.

Women's Health and Genetics/Laboratory Corporation of America, LabCorp
Classification: Uncertain significance. Last evaluated: 2024-12-02. Review status: criteria provided, single submitter. Criteria: LabCorp Variant Classification Summary - May 2015. Collection method: clinical testing. Allele origin: germline.
Comment: Variant summary: RAI1 c.226_228delGAC (p.Asp76del) results in an in-frame deletion that is predicted to remove one amino acid from the encoded protein. The variant allele was found at a frequency of 2.4e-05 in 245004 control chromosomes. The available data on variant occurrences in the general population are insufficient to allow any conclusion about variant significance. To our knowledge, no occurrence of c.226_228delGAC in individuals affected with Smith-Magenis Syndrome and no experimental evidence demonstrating its impact on protein function have been reported. ClinVar contains an entry for this variant (Variation ID: 1424304). Based on the evidence outlined above, the variant was classified as uncertain significance.

Blueprint Genetics
Classification: Likely benign. Last evaluated: 2023-09-15. Review status: criteria provided, single submitter. Criteria: ACMG Guidelines, 2015. Collection method: clinical testing. Allele origin: germline.

PreventionGenetics, part of Exact Sciences
Classification: Likely benign for RAI1-related condition. Last evaluated: 2023-07-12. Review status: no assertion criteria provided. Collection method: clinical testing. Allele origin: germline. Not counted in ClinVar's aggregate classification.
Comment: This variant is classified as likely benign based on ACMG/AMP sequence variant interpretation guidelines (Richards et al. 2015 PMID: 25741868, with internal and published modifications).

NM_030665.4(RAI1):c.226_228del (p.Asp76del)

Gene: RAI1 (retinoic acid induced 1; plus strand). Cytogenetic location: 17p11.2.
Variant type: Deletion.
Coding change: c.226_228del on transcript NM_030665.4 (MANE Select); coding-DNA positions 226 to 228, 3 bases deleted (GAC; older notation c.226_228delGAC).
Protein change: p.Asp76del; deletes aspartic acid 76.
Molecular consequence: inframe deletion.
Genome position (GRCh38, 1-based): chr17:17,793,174-17,793,176, GAC deleted; deleting any 3 consecutive bases within chr17:17,793,173-17,793,176 gives the same sequence; the c. name uses the placement nearest the transcript's 3' end. VCF-style (leftmost placement, unchanged base first): chr17-17793172-CCGA-C. GRCh37 (hg19) VCF-style: chr17-17696486-CCGA-C.
Other names: c.226_228delGAC (NM_030665.4); short protein forms D76del.
Identifiers: ClinVar variation 1424304 (VCV001424304.13), dbSNP rs763852650, ClinGen allele CA8418079.